The following is an entry in ClinVar:

ClinVar aggregate classification (germline): Uncertain significance. Review status: criteria provided, multiple submitters, no conflicts (2 of 4 stars). 5 submissions from 5 submitters: Uncertain significance (5). Last evaluated 2025-01-27.

Conditions:
Familial colorectal cancer type X. Identifiers: Orphanet 440437, MedGen C3896578, MONDO:0018604.
Hereditary cancer-predisposing syndrome. Also called: Hereditary Cancer Syndrome; Hereditary neoplastic syndrome; Neoplastic Syndromes, Hereditary; Tumor predisposition. Identifiers: Orphanet 140162, MedGen C0027672, MeSH D009386, MONDO:0015356.
Ataxia-telangiectasia syndrome (AT). Also called: Ataxia-telangiectasia, complementation group E; LOUIS-BAR SYNDROME; Cerebello-oculocutaneous telangiectasia; Immunodeficiency with ataxia telangiectasia; Ataxia-telangiectasia, complementation group D; AT, COMPLEMENTATION GROUP C. Identifiers: Orphanet 100, MedGen C0004135, MONDO:0008840, OMIM 208900.

Allele frequency attached by ClinVar (database versions not stated): gnomAD exomes below 0.00001; ExAC 0.00001.

Submissions (5):

Labcorp Genetics (formerly Invitae), Labcorp
Classification: Uncertain significance for Ataxia-telangiectasia syndrome. Last evaluated: 2025-01-27. Review status: criteria provided, single submitter. Criteria: Invitae Variant Classification Sherloc (09022015). Collection method: clinical testing. Allele origin: germline.
Comment: This sequence change replaces leucine, which is neutral and non-polar, with valine, which is neutral and non-polar, at codon 572 of the ATM protein (p.Leu572Val). This variant is present in population databases (rs749216212, gnomAD 0.0009%). This variant has not been reported in the literature in individuals affected with ATM-related conditions. ClinVar contains an entry for this variant (Variation ID: 922126). Invitae Evidence Modeling of protein sequence and biophysical properties (such as structural, functional, and spatial information, amino acid conservation, physicochemical variation, residue mobility, and thermodynamic stability) indicates that this missense variant is not expected to disrupt ATM protein function with a negative predictive value of 95%. In summary, the available evidence is currently insufficient to determine the role of this variant in disease. Therefore, it has been classified as a Variant of Uncertain Significance.

Revvity Omics, Revvity
Classification: Uncertain significance for Ataxia-telangiectasia syndrome. Last evaluated: 2024-10-25. Review status: criteria provided, single submitter. Criteria: ACMG Guidelines, 2015. Collection method: clinical testing. Allele origin: germline.

Department of Pathology and Laboratory Medicine, Sinai Health System
Classification: Uncertain significance for Familial colorectal cancer type X. Last evaluated: 2024-05-28. Review status: criteria provided, single submitter. Criteria: ACMG Guidelines, 2015. Collection method: clinical testing. Allele origin: germline. Affected: yes.

Color Diagnostics, LLC DBA Color Health
Classification: Uncertain significance for Hereditary cancer-predisposing syndrome. Last evaluated: 2024-03-06. Review status: criteria provided, single submitter. Criteria: ACMG Guidelines, 2015. Collection method: clinical testing. Allele origin: germline.
Comment: This missense variant replaces leucine with valine at codon 572 of the ATM protein. Computational prediction suggests that this variant may not impact protein structure and function (internally defined REVEL score threshold <= 0.5, PMID: 27666373). To our knowledge, functional studies have not been reported for this variant. This variant has not been reported in individuals affected with hereditary cancer in the literature. This variant has been identified in 1/251194 chromosomes in the general population by the Genome Aggregation Database (gnomAD). The available evidence is insufficient to determine the role of this variant in disease conclusively. Therefore, this variant is classified as a Variant of Uncertain Significance.

Ambry Genetics
Classification: Uncertain significance for Hereditary cancer-predisposing syndrome. Last evaluated: 2022-03-26. Review status: criteria provided, single submitter. Criteria: Ambry Variant Classification Scheme 2023. Collection method: clinical testing. Allele origin: germline.
Comment: The p.L572V variant (also known as c.1714T>G), located in coding exon 10 of the ATM gene, results from a T to G substitution at nucleotide position 1714. The leucine at codon 572 is replaced by valine, an amino acid with highly similar properties. This amino acid position is conserved. In addition, this alteration is predicted to be tolerated by in silico analysis. Since supporting evidence is limited at this time, the clinical significance of this alteration remains unclear.

NM_000051.4(ATM):c.1714T>G (p.Leu572Val)

Gene: ATM (ATM serine/threonine kinase; plus strand). Cytogenetic location: 11q22.3.
Variant type: single nucleotide variant.
Coding change: c.1714T>G on transcript NM_000051.4 (MANE Select); coding-DNA position 1714, T replaced by G.
Protein change: p.Leu572Val; replaces leucine 572 with valine.
Molecular consequence: missense variant.
Genome position (GRCh38, 1-based): chr11:108,251,943, T>G. VCF-style: chr11-108251943-T-G. GRCh37 (hg19) VCF-style: chr11-108122670-T-G.
Other names: c.1714T>G, p.Leu572Val (NM_001351834.2); short protein forms L572V.
Identifiers: ClinVar variation 922126 (VCV000922126.11), dbSNP rs749216212, ClinGen allele CA6264860.